The following is an entry in ClinVar:

ClinVar aggregate classification (germline): Uncertain significance. Review status: criteria provided, multiple submitters, no conflicts (2 of 4 stars). 3 submissions from 3 submitters: Uncertain significance (2). 1 of the submissions does not count toward it. Last evaluated 2024-06-04.

Conditions:
Smith-Lemli-Opitz syndrome (SLOS). Also called: 7-Dehydrocholesterol reductase deficiency; POLYDACTYLY, SEX REVERSAL, RENAL HYPOPLASIA, AND UNILOBAR LUNG; RSH SYNDROME; RUTLEDGE LETHAL MULTIPLE CONGENITAL ANOMALY SYNDROME; LETHAL ACRODYSGENITAL SYNDROME. Identifiers: Orphanet 818, MedGen C0175694, MONDO:0010035, OMIM 270400.

Allele frequency attached by ClinVar (database versions not stated): TOPMed 0.00001; gnomAD exomes 0.00002; 1000 Genomes Project 30x 0.00016; 1000 Genomes Project 0.00020.
gnomAD v4.1: 35 of 1,614,164 alleles (0.0022%); highest among the groups gnomAD compares: Middle Eastern, 0.017%; no homozygotes.

Submissions (3):

Fulgent Genetics
Classification: Uncertain significance for Smith-Lemli-Opitz syndrome. Last evaluated: 2024-06-04. Review status: criteria provided, single submitter. Criteria: ACMG Guidelines, 2015. Collection method: clinical testing. Allele origin: germline.

Labcorp Genetics (formerly Invitae), Labcorp
Classification: Uncertain significance for Smith-Lemli-Opitz syndrome. Last evaluated: 2022-10-17. Review status: criteria provided, single submitter. Criteria: Invitae Variant Classification Sherloc (09022015). Collection method: clinical testing. Allele origin: germline.
Comment: This sequence change replaces serine, which is neutral and polar, with leucine, which is neutral and non-polar, at codon 5 of the DHCR7 protein (p.Ser5Leu). This variant is present in population databases (rs1127869, gnomAD 0.004%). This variant has not been reported in the literature in individuals affected with DHCR7-related conditions. ClinVar contains an entry for this variant (Variation ID: 558728). Algorithms developed to predict the effect of missense changes on protein structure and function (SIFT, PolyPhen-2, Align-GVGD) all suggest that this variant is likely to be tolerated. In summary, the available evidence is currently insufficient to determine the role of this variant in disease. Therefore, it has been classified as a Variant of Uncertain Significance.

Counsyl
Classification: Uncertain significance for Smith-Lemli-Opitz syndrome. Last evaluated: 2018-06-07. Review status: no assertion criteria provided. Collection method: clinical testing. Allele origin: unknown. Not counted in ClinVar's aggregate classification.

NM_001360.3(DHCR7):c.14C>T (p.Ser5Leu)

Gene: DHCR7 (7-dehydrocholesterol reductase; minus strand). Cytogenetic location: 11q13.4.
Variant type: single nucleotide variant.
Coding change: c.14C>T on transcript NM_001360.3 (MANE Select); coding-DNA position 14, C replaced by T.
Protein change: p.Ser5Leu; replaces serine 5 with leucine.
Molecular consequence: missense variant.
Genome position (GRCh38, 1-based): chr11:71,444,939, G>A on the plus strand (C>T on the coding strand, the complement: DHCR7 is on the minus strand). VCF-style: chr11-71444939-G-A. GRCh37 (hg19) VCF-style: chr11-71155985-G-A.
Other names: c.14C>T, p.Ser5Leu (NM_001163817.2); short protein forms S5L.
Identifiers: ClinVar variation 558728 (VCV000558728.5), dbSNP rs1127869, ClinGen allele CA6162733.